The following is an entry in ClinVar:

NM_002439.5(MSH3):c.1831A>T (p.Ile611Leu)

Gene: MSH3 (mutS homolog 3; plus strand). Cytogenetic location: 5q14.1.
Variant type: single nucleotide variant.
Coding change: c.1831A>T on transcript NM_002439.5 (MANE Select); coding-DNA position 1831, A replaced by T.
Protein change: p.Ile611Leu; replaces isoleucine 611 with leucine.
Molecular consequence: missense variant.
Genome position (GRCh38, 1-based): chr5:80,761,613, A>T. VCF-style: chr5-80761613-A-T. GRCh37 (hg19) VCF-style: chr5-80057432-A-T.
Other names: short protein forms I611L.
Identifiers: ClinVar variation 1520707 (VCV001520707.8), dbSNP rs1744035337, ClinGen allele CA360276606.

ClinVar aggregate classification (germline): Uncertain significance (1 of 4 stars; one submission).

Submission:

Labcorp Genetics (formerly Invitae), Labcorp
Classification: Uncertain significance. Last evaluated: 2021-03-27. Review status: criteria provided, single submitter. Criteria: Invitae Variant Classification Sherloc (09022015). Collection method: clinical testing. Allele origin: germline.
Comment: In summary, the available evidence is currently insufficient to determine the role of this variant in disease. Therefore, it has been classified as a Variant of Uncertain Significance. Algorithms developed to predict the effect of missense changes on protein structure and function output the following: SIFT: "Tolerated"; PolyPhen-2: "Benign"; Align-GVGD: "Class C0". The leucine amino acid residue is found in multiple mammalian species, suggesting that this missense change does not adversely affect protein function. These predictions have not been confirmed by published functional studies and their clinical significance is uncertain. This variant has not been reported in the literature in individuals with MSH3-related conditions. This variant is not present in population databases (ExAC no frequency). This sequence change replaces isoleucine with leucine at codon 611 of the MSH3 protein (p.Ile611Leu). The isoleucine residue is moderately conserved and there is a small physicochemical difference between isoleucine and leucine.